The following is an entry in ClinVar:

ClinVar aggregate classification (germline): Uncertain significance (1 of 4 stars; one submission).

Allele frequency attached by ClinVar (database versions not stated): gnomAD exomes 0.00001; TOPMed 0.00001; ExAC 0.00002; gnomAD 0.00002.
gnomAD v4.1: 17 of 1,613,644 alleles (0.0011%); highest among the groups gnomAD compares: Admixed American, 0.0033%; no homozygotes.

Submission:

Labcorp Genetics (formerly Invitae), Labcorp
Classification: Uncertain significance. Last evaluated: 2022-08-09. Review status: criteria provided, single submitter. Criteria: Invitae Variant Classification Sherloc (09022015). Collection method: clinical testing. Allele origin: germline.
Comment: This sequence change replaces alanine, which is neutral and non-polar, with threonine, which is neutral and polar, at codon 391 of the RGS9 protein (p.Ala391Thr). This variant is present in population databases (rs546251938, gnomAD 0.007%). This variant has not been reported in the literature in individuals affected with RGS9-related conditions. ClinVar contains an entry for this variant (Variation ID: 1061188). Algorithms developed to predict the effect of missense changes on protein structure and function (SIFT, PolyPhen-2, Align-GVGD) all suggest that this variant is likely to be disruptive. In summary, the available evidence is currently insufficient to determine the role of this variant in disease. Therefore, it has been classified as a Variant of Uncertain Significance.

NM_003835.4(RGS9):c.1171G>A (p.Ala391Thr)

Gene: RGS9 (regulator of G protein signaling 9; plus strand). Cytogenetic location: 17q24.1.
Variant type: single nucleotide variant.
Coding change: c.1171G>A on transcript NM_003835.4 (MANE Select); coding-DNA position 1171, G replaced by A.
Protein change: p.Ala391Thr; replaces alanine 391 with threonine.
Molecular consequence: missense variant.
Genome position (GRCh38, 1-based): chr17:65,204,269, G>A. VCF-style: chr17-65204269-G-A. GRCh37 (hg19) VCF-style: chr17-63200387-G-A.
Other names: c.1162G>A, p.Ala388Thr (NM_001081955.3, NM_001165933.2); short protein forms A388T, A391T.
Identifiers: ClinVar variation 1061188 (VCV001061188.8), dbSNP rs546251938, ClinGen allele CA8717945.